The following is an entry in ClinVar:

NM_201253.3(CRB1):c.635G>A (p.Cys212Tyr)

Gene: CRB1 (crumbs cell polarity complex component 1; plus strand). Cytogenetic location: 1q31.3.
Variant type: single nucleotide variant.
Coding change: c.635G>A on transcript NM_201253.3 (MANE Select); coding-DNA position 635, G replaced by A.
Protein change: p.Cys212Tyr; replaces cysteine 212 with tyrosine.
Molecular consequence: missense variant. On other transcripts: non-coding transcript variant (2).
Genome position (GRCh38, 1-based): chr1:197,328,986, G>A. VCF-style: chr1-197328986-G-A. GRCh37 (hg19) VCF-style: chr1-197298116-G-A.
Other names: c.635G>A, p.Cys212Tyr (NM_001193640.2, NM_001257966.2); c.428G>A, p.Cys143Tyr (NM_001257965.2); short protein forms C143Y, C212Y.
Identifiers: ClinVar variation 965648 (VCV000965648.13), dbSNP rs1658699227, ClinGen allele CA344081724.

ClinVar aggregate classification (germline): Conflicting classifications of pathogenicity. Review status: criteria provided, conflicting classifications (1 of 4 stars). 7 submissions from 5 submitters: Pathogenic (1); Likely pathogenic (1); Uncertain significance (4). 1 of the submissions does not count toward it. Last evaluated 2024-11-05.

Conditions:
Retinitis pigmentosa 12 (RP12). Also called: RP WITH OR WITHOUT PRESERVED PARAARTERIOLE RETINAL PIGMENT EPITHELIUM; RETINITIS PIGMENTOSA WITH OR WITHOUT PARAARTERIOLAR PRESERVATION OF RETINAL PIGMENT EPITHELIUM; RP WITH OR WITHOUT PPRPE. Identifiers: Orphanet 791, MedGen C1838647, MONDO:0010818, OMIM 600105.
Pigmented paravenous retinochoroidal atrophy. Identifiers: Orphanet 251295, MedGen C1868310, MONDO:0008246, OMIM 172870.
Leber congenital amaurosis 8 (LCA8). Identifiers: Orphanet 65, MedGen C3151202, MONDO:0013453, OMIM 613835.
CRB1-related disorder. Also called: CRB1-related condition; CRB1-related disorders.

gnomAD v4.1: 3 of 1,612,626 alleles (0.00019%); highest among the groups gnomAD compares: Non-Finnish European, 0.00025%; no homozygotes.

Submissions (7):

Blueprint Genetics
Classification: Pathogenic for CRB1-related disorders. Last evaluated: 2024-11-05. Review status: criteria provided, single submitter. Criteria: ACMG Guidelines, 2015. Collection method: clinical testing. Allele origin: germline. Affected: yes. Observed: 5 variant alleles.

Labcorp Genetics (formerly Invitae), Labcorp
Classification: Likely pathogenic for Leber congenital amaurosis 8; Retinitis pigmentosa 12. Last evaluated: 2024-11-03. Review status: criteria provided, single submitter. Criteria: Invitae Variant Classification Sherloc (09022015). Collection method: clinical testing. Allele origin: germline.
Comment: This sequence change replaces cysteine, which is neutral and slightly polar, with tyrosine, which is neutral and polar, at codon 212 of the CRB1 protein (p.Cys212Tyr). This variant is not present in population databases (gnomAD no frequency). This missense change has been observed in individuals with Stargardt disease (PMID: 25474345; internal data). ClinVar contains an entry for this variant (Variation ID: 965648). Invitae Evidence Modeling of protein sequence and biophysical properties (such as structural, functional, and spatial information, amino acid conservation, physicochemical variation, residue mobility, and thermodynamic stability) indicates that this missense variant is expected to disrupt CRB1 protein function with a positive predictive value of 95%. This variant disrupts the p.Cys212 amino acid residue in CRB1. Other variant(s) that disrupt this residue have been observed in individuals with CRB1-related conditions (PMID: 35119454), which suggests that this may be a clinically significant amino acid residue. In summary, the currently available evidence indicates that the variant is pathogenic, but additional data are needed to prove that conclusively. Therefore, this variant has been classified as Likely Pathogenic.

Genome-Nilou Lab
Classification: Uncertain significance for Leber congenital amaurosis 8. Last evaluated: 2023-04-11. Review status: criteria provided, single submitter. Criteria: ACMG Guidelines, 2015. Collection method: clinical testing. Allele origin: germline. Affected: no.

Genome-Nilou Lab
Classification: Uncertain significance for Pigmented paravenous retinochoroidal atrophy. Last evaluated: 2023-04-11. Review status: criteria provided, single submitter. Criteria: ACMG Guidelines, 2015. Collection method: clinical testing. Allele origin: germline. Affected: no.

Genome-Nilou Lab
Classification: Uncertain significance for Retinitis pigmentosa 12. Last evaluated: 2023-04-11. Review status: criteria provided, single submitter. Criteria: ACMG Guidelines, 2015. Collection method: clinical testing. Allele origin: germline. Affected: no.

Fulgent Genetics
Classification: Uncertain significance for Pigmented paravenous retinochoroidal atrophy; Retinitis pigmentosa 12; Leber congenital amaurosis 8. Last evaluated: 2022-04-11. Review status: criteria provided, single submitter. Criteria: ACMG Guidelines, 2015. Collection method: clinical testing. Allele origin: unknown.

PreventionGenetics, part of Exact Sciences
Classification: Likely pathogenic for CRB1-related condition. Last evaluated: 2024-06-27. Review status: no assertion criteria provided. Collection method: clinical testing. Allele origin: germline. Not counted in ClinVar's aggregate classification.
Comment: The CRB1 c.635G>A variant is predicted to result in the amino acid substitution p.Cys212Tyr. This variant has been reported in the compound heterozygous state in an individual with retinal dystrophy (Zaneveld et al. 2015. PubMed ID: 25474345). This variant has been detected here, at PreventionGenetics, along with a second CRB1 variant in multiple individuals undergoing testing for retinal dystrophy (internal data). An alternate substitution of this amino acid (p.Cys212Phe) has also been reported along with a second CRB1 variant in an individual with retinal dystrophy (Del Pozo-Valero et al. 2022. PubMed ID: 35119454). This variant has not been reported in the large population database gnomAD, indicating this variant is rare. Given the evidence, we interpret this variant as likely pathogenic.

Literature cited by the submitters: PubMed 25474345 (cited by Labcorp Genetics (formerly Invitae), Labcorp); PubMed 35119454 (cited by Labcorp Genetics (formerly Invitae), Labcorp).